The following is an entry in ClinVar:

ClinVar aggregate classification (germline): Pathogenic (1 of 4 stars; one submission).

Conditions:
Aicardi-Goutieres syndrome 6 (AGS6). Identifiers: Orphanet 51, MedGen C3539013, MONDO:0014007, OMIM 615010.

Submission:

3billion
Classification: Pathogenic for Aicardi-Goutieres syndrome 6. Last evaluated: 2024-03-07. Review status: criteria provided, single submitter. Criteria: ACMG Guidelines, 2015. Collection method: clinical testing. Allele origin: germline. Affected: yes.
Comment: The variant is not observed in the gnomAD v2.1.1 dataset. Predicted Consequence/Location: Stop-gained (nonsense): predicted to result in a loss or disruption of normal protein function through nonsense-mediated decay (NMD) or protein truncation. Multiple pathogenic variants are reported downstream of the variant. Therefore, this variant is classified as Pathogenic according to the recommendation of ACMG/AMP guideline.

NM_001111.5(ADAR):c.600_646del (p.Ser200_Thr201insTer)

Gene: ADAR (adenosine deaminase RNA specific; minus strand). Cytogenetic location: 1q21.3.
Variant type: Deletion.
Coding change: c.600_646del on transcript NM_001111.5 (MANE Select); coding-DNA positions 600 to 646, 47 bases deleted.
Protein change: p.Ser200_Thr201insTer.
Molecular consequence: frameshift variant. On other transcripts: 5 prime UTR variant (6).
Genome position (GRCh38, 1-based): chr1:154,601,996-154,602,042, 47 bases deleted; deleting any 47 consecutive bases within chr1:154,601,996-154,602,044 gives the same sequence; the c. name uses the placement nearest the transcript's 3' end. GRCh37 (hg19): chr1:154,574,474-154,574,520.
Other names: c.-286_-240del (NM_001025107.3, NM_001193495.2, NM_001365046.1 and 3 more transcripts); c.627_673del, p.Ser209_Thr210insTer (NM_001365045.1); c.600_646del, p.Ser200_Thr201insTer (NM_015840.4, NM_015841.4).
Identifiers: ClinVar variation 3775740 (VCV003775740.1).